The following is an entry in ClinVar:

ClinVar aggregate classification (germline): Uncertain significance (1 of 4 stars; one submission).

Conditions:
Hereditary cancer-predisposing syndrome. Also called: Hereditary Cancer Syndrome; Tumor predisposition; Hereditary neoplastic syndrome; Neoplastic Syndromes, Hereditary. Identifiers: Orphanet 140162, MedGen C0027672, MeSH D009386, MONDO:0015356.

Submission:

Ambry Genetics
Classification: Uncertain significance for Hereditary cancer-predisposing syndrome. Last evaluated: 2024-09-18. Review status: criteria provided, single submitter. Criteria: Ambry Variant Classification Scheme 2023. Collection method: clinical testing. Allele origin: germline.
Comment: The p.V651A variant (also known as c.1952T>C), located in coding exon 17 of the MRE11A gene, results from a T to C substitution at nucleotide position 1952. The valine at codon 651 is replaced by alanine, an amino acid with similar properties. This amino acid position is conserved. In addition, this alteration is predicted to be tolerated by in silico analysis. Based on the available evidence, the clinical significance of this variant remains unclear.

NM_005591.4(MRE11):c.1952T>C (p.Val651Ala)

Gene: MRE11 (MRE11 double strand break repair nuclease; minus strand). Cytogenetic location: 11q21.
Variant type: single nucleotide variant.
Coding change: c.1952T>C on transcript NM_005591.4 (MANE Select); coding-DNA position 1952, T replaced by C.
Protein change: p.Val651Ala; replaces valine 651 with alanine.
Molecular consequence: missense variant.
Genome position (GRCh38, 1-based): chr11:94,435,874, A>G on the plus strand (T>C on the coding strand, the complement: MRE11 is on the minus strand). VCF-style: chr11-94435874-A-G. GRCh37 (hg19) VCF-style: chr11-94169040-A-G.
Other names: c.1949T>C, p.Val650Ala (NM_001330347.2); c.1868T>C, p.Val623Ala (NM_005590.4); short protein forms V650A, V651A, V623A.
Identifiers: ClinVar variation 3397825 (VCV003397825.1).